The following is an entry in ClinVar:

ClinVar aggregate classification (germline): Likely pathogenic (1 of 4 stars; one submission).

Conditions:
Sessile serrated polyposis cancer syndrome (SSPCS). Identifiers: Orphanet 157798, MedGen C4310714, MONDO:0014919, OMIM 617108.

Submission:

Myriad Genetics, Inc.
Classification: Likely pathogenic for Sessile serrated polyposis cancer syndrome. Last evaluated: 2026-08-03. Review status: criteria provided, single submitter. Criteria: Myriad Autosomal Dominant, Autosomal Recessive and X-Linked Classification Criteria (2023). Collection method: clinical testing. Allele origin: unknown.
Comment: This variant is considered likely pathogenic. This variant occurs within a consensus splice junction and is predicted to result in abnormal mRNA splicing of either an out-of-frame exon or an in-frame exon necessary for protein stability and/or normal function.

NM_017763.6(RNF43):c.849+1G>A

Gene: RNF43 (ring finger protein 43; minus strand). Cytogenetic location: 17q22.
Variant type: single nucleotide variant.
Coding change: c.849+1G>A on transcript NM_017763.6 (MANE Select); the canonical splice donor site of the intron after coding-DNA position 849, G replaced by A.
Molecular consequence: splice donor variant.
Genome position (GRCh38, 1-based): chr17:58,360,782, C>T on the plus strand (G>A on the coding strand, the complement: RNF43 is on the minus strand). VCF-style: chr17-58360782-C-T. GRCh37 (hg19) VCF-style: chr17-56438143-C-T.
Other names: c.849+1G>A (NM_001438822.1, NM_001305544.3, NM_001438820.1 and 1 more transcripts); c.468+1G>A (NM_001305545.2, NM_001437987.1).
Identifiers: ClinVar variation 5042235 (VCV005042235.1).